The following is an entry in ClinVar:

NM_025074.7(FRAS1):c.2169del (p.Ser725fs)

Gene: FRAS1 (Fraser extracellular matrix complex subunit 1; plus strand). Cytogenetic location: 4q21.21.
Variant type: Deletion.
Coding change: c.2169del on transcript NM_025074.7 (MANE Select); coding-DNA position 2169, one base deleted (G; older notation c.2169delG).
Protein change: p.Ser725fs; shifts the reading frame from serine 725.
Molecular consequence: frameshift variant.
Genome position (GRCh38, 1-based): chr4:78,333,303, G deleted; the last of 3 consecutive G bases (chr4:78,333,301-78,333,303); deleting any one gives the same sequence. VCF-style (leftmost placement, unchanged base first): chr4-78333300-AG-A. GRCh37 (hg19) VCF-style: chr4-79254454-AG-A.
Other names: c.2169del, p.Ser725fs (NM_001166133.2); short protein forms S725fs.
Identifiers: ClinVar variation 4082438 (VCV004082438.2).

ClinVar aggregate classification (germline): Likely pathogenic (1 of 4 stars; one submission).

Submission:

Genetic Services Laboratory, University of Chicago
Classification: Likely pathogenic. Last evaluated: 2023-09-07. Review status: criteria provided, single submitter. Criteria: ACMG Guidelines, 2015. Collection method: clinical testing. Allele origin: germline. Affected: yes.
Comment: DNA sequence analysis of the FRAS1 gene demonstrated a 1 base pair deletion in exon 19, c.2169del. This sequence change is predicted to result in an amino acid frameshift and creates a premature stop codon 245 amino acids downstream of the change, p.Ser725Alafs*245. While this deletion has not previously been described in the literature, other frameshift deletions/duplications in the FRAS1 gene have been described in several individuals with FRAS1-related disorders [PMID: 31999076, 32488952, 12766769, 16894541]. The c.2169del sequence change has not been described in population databases such as ExAC and gnomAD. Collectively, this evidence indicates that this sequence change is likely pathogenic, however functional studies have not been performed to prove this conclusively.